The following is an entry in ClinVar:

NM_006514.4(SCN10A):c.5266A>T (p.Thr1756Ser)

Gene: SCN10A (sodium voltage-gated channel alpha subunit 10; minus strand). Cytogenetic location: 3p22.2.
Variant type: single nucleotide variant.
Coding change: c.5266A>T on transcript NM_006514.4 (MANE Select); coding-DNA position 5266, A replaced by T.
Protein change: p.Thr1756Ser; replaces threonine 1756 with serine.
Molecular consequence: missense variant.
Genome position (GRCh38, 1-based): chr3:38,697,954, T>A on the plus strand (A>T on the coding strand, the complement: SCN10A is on the minus strand). VCF-style: chr3-38697954-T-A. GRCh37 (hg19) VCF-style: chr3-38739445-T-A.
Other names: c.5263A>T, p.Thr1755Ser (NM_001293306.2); c.4972A>T, p.Thr1658Ser (NM_001293307.2); short protein forms T1755S, T1658S, T1756S.
Identifiers: ClinVar variation 3438091 (VCV003438091.1).

ClinVar aggregate classification (germline): Uncertain significance (1 of 4 stars; one submission).

Conditions:
Cardiovascular phenotype. Identifiers: MedGen CN230736.

Submission:

Ambry Genetics
Classification: Uncertain significance for Cardiovascular phenotype. Last evaluated: 2024-06-30. Review status: criteria provided, single submitter. Criteria: Ambry Variant Classification Scheme 2023. Collection method: clinical testing. Allele origin: germline.
Comment: The p.T1756S variant (also known as c.5266A>T), located in coding exon 27 of the SCN10A gene, results from an A to T substitution at nucleotide position 5266. The threonine at codon 1756 is replaced by serine, an amino acid with similar properties. This amino acid position is conserved. In addition, the in silico prediction for this alteration is inconclusive. Based on the available evidence, the clinical significance of this variant remains unclear.